The following is an entry in ClinVar:

NM_001134363.3(RBM20):c.3177A>G (p.Pro1059=)

Gene: RBM20 (RNA binding motif protein 20; plus strand). Cytogenetic location: 10q25.2.
Variant type: single nucleotide variant.
Coding change: c.3177A>G on transcript NM_001134363.3 (MANE Select); coding-DNA position 3177, A replaced by G.
Protein change: p.Pro1059=; no amino-acid change (proline 1059 retained).
Molecular consequence: synonymous variant.
Genome position (GRCh38, 1-based): chr10:110,821,796, A>G. VCF-style: chr10-110821796-A-G. GRCh37 (hg19) VCF-style: chr10-112581554-A-G.
Identifiers: ClinVar variation 227893 (VCV000227893.26), dbSNP rs562290651, ClinGen allele CA5688735.

ClinVar aggregate classification (germline): Likely benign. Review status: criteria provided, multiple submitters, no conflicts (2 of 4 stars). 7 submissions from 7 submitters: Likely benign (7). Last evaluated 2026-03-27.

Conditions:
Cardiovascular phenotype. Identifiers: MedGen CN230736.
Cardiomyopathy (CMYO). Also called: Cardiomyopathies. Identifiers: Orphanet 167848, MedGen C0878544, MONDO:0004994, HP:0001638. Inheritance: Various modes of inheritance.
Dilated cardiomyopathy 1DD (CMD1DD). Identifiers: Orphanet 154, MedGen C2750995, MONDO:0013168, OMIM 613172.

Allele frequency attached by ClinVar (database versions not stated): gnomAD exomes 0.00003 and 0.00006; ExAC 0.00005; TOPMed 0.00009; gnomAD 0.00012.
gnomAD v4.1: 95 of 1,551,678 alleles (0.0061%); highest among the groups gnomAD compares: African/African-American, 0.0096%; no homozygotes.

Submissions (7):

Molecular Diagnostic Laboratory for Inherited Cardiovascular Disease, Montreal Heart Institute
Classification: Likely benign. Last evaluated: 2026-03-27. Review status: criteria provided, single submitter. Criteria: ACMG Guidelines, 2015. Collection method: clinical testing. Allele origin: germline. Affected: no.
Comment: BP7

Labcorp Genetics (formerly Invitae), Labcorp
Classification: Likely benign for Dilated cardiomyopathy 1DD. Last evaluated: 2026-01-18. Review status: criteria provided, single submitter. Criteria: Invitae Variant Classification Sherloc (09022015). Collection method: clinical testing. Allele origin: germline.

Blueprint Genetics
Classification: Likely benign. Last evaluated: 2024-07-30. Review status: criteria provided, single submitter. Criteria: ACMG Guidelines, 2015. Collection method: clinical testing. Allele origin: germline.

CHEO Genetics Diagnostic Laboratory, Children's Hospital of Eastern Ontario
Classification: Likely benign for Cardiomyopathy. Last evaluated: 2022-11-24. Review status: criteria provided, single submitter. Criteria: ACMG Guidelines, 2015. Collection method: clinical testing. Allele origin: germline. Study: Canadian Open Genetics Repository.

GeneDx
Classification: Likely benign. Last evaluated: 2020-12-16. Review status: criteria provided, single submitter. Criteria: GeneDx Variant Classification Process June 2021. Collection method: clinical testing. Allele origin: germline. Affected: yes.

Ambry Genetics
Classification: Likely benign for Cardiovascular phenotype. Last evaluated: 2016-11-09. Review status: criteria provided, single submitter. Criteria: Ambry Variant Classification Scheme 2023. Collection method: clinical testing. Allele origin: germline.

Laboratory for Molecular Medicine, Mass General Brigham Personalized Medicine
Classification: Likely benign. Last evaluated: 2015-01-02. Review status: criteria provided, single submitter. Criteria: LMM Criteria. Collection method: clinical testing. Allele origin: germline. Observed: 1 variant allele.
Comment: p.Pro1059Pro in c.3177A>G of RBM20: This variant is not expected to have clinica l significance because it does not alter an amino acid residue and is not locate d within the splice consensus sequence. It has been identified in 1/2260 of Afri can American chromosomes by the Exome Aggregation Consortium (ExAC.).